The following is an entry in ClinVar:

NM_020806.5(GPHN):c.1911-3T>C

Gene: GPHN (gephyrin; plus strand). Cytogenetic location: 14q23.3.
Variant type: single nucleotide variant.
Coding change: c.1911-3T>C on transcript NM_020806.5 (MANE Select); 3 bases into the intron before coding-DNA position 1911, T replaced by C.
Molecular consequence: intron variant.
Genome position (GRCh38, 1-based): chr14:67,165,159, T>C. VCF-style: chr14-67165159-T-C. GRCh37 (hg19) VCF-style: chr14-67631876-T-C.
Other names: c.1971-3T>C (NM_001377514.1); c.1851-3T>C (NM_001377519.1); c.1941-3T>C (NM_001377515.1); c.1932-3T>C (NM_001377516.1); c.1869-3T>C (NM_001377518.1); c.1884-3T>C (NM_001377517.1); c.1812-3T>C (NM_001024218.2).
Identifiers: ClinVar variation 653750 (VCV000653750.9), dbSNP rs534360121, ClinGen allele CA7234220.

ClinVar aggregate classification (germline): Uncertain significance (1 of 4 stars; one submission).

Conditions:
Sulfite oxidase deficiency due to molybdenum cofactor deficiency type C. Also called: Molybdenum cofactor deficiency C; Molybdenum cofactor deficiency, complementation group C. Identifiers: Orphanet 308400, Orphanet 833, MedGen C1854990, MONDO:0014212, OMIM 615501.

Allele frequency attached by ClinVar (database versions not stated): gnomAD exomes below 0.00001 and 0.00001; gnomAD 0.00001; ExAC 0.00002; 1000 Genomes Project 30x 0.00016; 1000 Genomes Project 0.00020.
gnomAD v4.1: 4 of 1,603,702 alleles (0.00025%); highest among the groups gnomAD compares: East Asian, 0.0089%; no homozygotes.

Submission:

Labcorp Genetics (formerly Invitae), Labcorp
Classification: Uncertain significance for Sulfite oxidase deficiency due to molybdenum cofactor deficiency type C. Last evaluated: 2025-01-11. Review status: criteria provided, single submitter. Criteria: Invitae Variant Classification Sherloc (09022015). Collection method: clinical testing. Allele origin: germline.
Comment: This sequence change falls in intron 19 of the GPHN gene. It does not directly change the encoded amino acid sequence of the GPHN protein. It affects a nucleotide within the consensus splice site. This variant is present in population databases (rs534360121, gnomAD 0.02%). This variant has not been reported in the literature in individuals affected with GPHN-related conditions. ClinVar contains an entry for this variant (Variation ID: 653750). Variants that disrupt the consensus splice site are a relatively common cause of aberrant splicing (PMID: 17576681, 9536098). Algorithms developed to predict the effect of sequence changes on RNA splicing suggest that this variant is not likely to affect RNA splicing. In summary, the available evidence is currently insufficient to determine the role of this variant in disease. Therefore, it has been classified as a Variant of Uncertain Significance.

Literature cited by the submitters: PubMed 17576681; PubMed 9536098.